The following is an entry in ClinVar:

ClinVar aggregate classification (germline): Uncertain significance (1 of 4 stars; one submission).

Conditions:
Dystonia 28, childhood-onset (DYT28). Also called: KMT2B-Related Dystonia (DYT-KMT2B). Identifiers: Orphanet 589618, MedGen C4310633, MONDO:0015004, OMIM 617284.

Submission:

SIB Swiss Institute of Bioinformatics
Classification: Uncertain significance for Dystonia 28, childhood-onset. Last evaluated: 2018-04-16. Review status: criteria provided, single submitter. Criteria: ACMG Guidelines, 2015. Collection method: curation. Allele origin: germline.
Comment: This variant is interpreted as a Uncertain Significance, for Dystonia 28, childhood-onset, Autosomal Dominant inheritance. The following ACMG Tag(s) were applied: PM2 => Absent from controls (or at extremely low frequency if recessive) in Exome Sequencing Project, 1000 Genomes Project, or Exome Aggregation Consortium. PP3 => Multiple lines of computational evidence support a deleterious effect on the gene or gene product. PM6 => Assumed de novo, but without confirmation of paternity and maternity (PMID:27992417).

Literature cited by the submitters: PubMed 27992417.

NM_014727.3(KMT2B):c.5284C>T (p.Arg1762Cys)

Gene: KMT2B (lysine methyltransferase 2B; plus strand). Cytogenetic location: 19q13.12.
Variant type: single nucleotide variant.
Coding change: c.5284C>T on transcript NM_014727.3 (MANE Select); coding-DNA position 5284, C replaced by T.
Protein change: p.Arg1762Cys; replaces arginine 1762 with cysteine.
Molecular consequence: missense variant.
Genome position (GRCh38, 1-based): chr19:35,730,714, C>T. VCF-style: chr19-35730714-C-T. GRCh37 (hg19) VCF-style: chr19-36221615-C-T.
Other names: NM_014727.2:n.5284C>T(p.Arg1762Cys); short protein forms R1762C.
Identifiers: ClinVar variation 549481 (VCV000549481.1), dbSNP rs1489232377, ClinGen allele CA405420455.